The following is an entry in ClinVar:

ClinVar aggregate classification (germline): Likely benign. Review status: criteria provided, single submitter (1 of 4 stars). 2 submissions from 2 submitters: Likely benign (1). 1 of the submissions does not count toward it. Last evaluated 2024-02-18.

Conditions:
Charcot-Marie-Tooth Neuropathy X. Identifiers: MedGen CN118851.
Combined oxidative phosphorylation deficiency. Identifiers: MedGen C4540031, MONDO:0000732.
AIFM1-related disorder. Also called: AIFM1-related condition.

Allele frequency attached by ClinVar (database versions not stated): ExAC 0.00001; gnomAD exomes 0.00002; ESP Exome Variant Server 0.00009.
gnomAD v4.1: 24 of 1,209,499 alleles (0.002%); highest among the groups gnomAD compares: African/African-American, 0.007%; no homozygotes.

Submissions (2):

Labcorp Genetics (formerly Invitae), Labcorp
Classification: Likely benign for Charcot-Marie-Tooth Neuropathy X; Combined oxidative phosphorylation deficiency. Last evaluated: 2024-02-18. Review status: criteria provided, single submitter. Criteria: Invitae Variant Classification Sherloc (09022015). Collection method: clinical testing. Allele origin: germline.

PreventionGenetics, part of Exact Sciences
Classification: Likely benign for AIFM1-related condition. Last evaluated: 2019-10-28. Review status: no assertion criteria provided. Collection method: clinical testing. Allele origin: germline. Not counted in ClinVar's aggregate classification.
Comment: This variant is classified as likely benign based on ACMG/AMP sequence variant interpretation guidelines (Richards et al. 2015 PMID: 25741868, with internal and published modifications).

NM_004208.4(AIFM1):c.1005C>T (p.Pro335=)

Genes: AIFM1 (apoptosis inducing factor mitochondria associated 1; minus strand), RAB33A (RAB33A, member RAS oncogene family; plus strand). Cytogenetic location: Xq26.1.
Variant type: single nucleotide variant.
Coding change: c.1005C>T on transcript NM_004208.4 (MANE Select); coding-DNA position 1005, C replaced by T.
Protein change: p.Pro335=; no amino-acid change (proline 335 retained).
Molecular consequence: synonymous variant. On other transcripts: 5 prime UTR variant (1), 3 prime UTR variant (1), non-coding transcript variant (1).
Genome position (GRCh38, 1-based): chrX:130,137,148, G>A on the plus strand (C>T on the coding strand, the complement: AIFM1 is on the minus strand). VCF-style: chrX-130137148-G-A. GRCh37 (hg19) VCF-style: chrX-129271123-G-A.
Other names: c.1005C>T (NM_004208.3); c.-13C>T (NM_001130846.4); c.*233C>T (NM_001130847.4); c.993C>T, p.Pro331= (NM_145812.3).
Identifiers: ClinVar variation 2929649 (VCV002929649.5), dbSNP rs371944474, ClinGen allele CA10515349.